The following is an entry in ClinVar:

NM_000038.6(APC):c.7853del (p.Asn2618fs)

Gene: APC (APC regulator of Wnt signaling pathway; plus strand). Cytogenetic location: 5q22.2.
Variant type: Deletion.
Coding change: c.7853del on transcript NM_000038.6 (MANE Select); coding-DNA position 7853, one base deleted (A; older notation c.7853delA).
Protein change: p.Asn2618fs; shifts the reading frame from asparagine 2618.
Molecular consequence: frameshift variant. On other transcripts: non-coding transcript variant (2).
Genome position (GRCh38, 1-based): chr5:112,843,447, A deleted; the last of 4 consecutive A bases (chr5:112,843,444-112,843,447); deleting any one gives the same sequence. VCF-style (leftmost placement, unchanged base first): chr5-112843443-GA-G. GRCh37 (hg19) VCF-style: chr5-112179140-GA-G.
Other names: c.7853del, p.Asn2618fs (NM_001127510.3, NM_001354895.2, NM_001407450.1); c.7799del, p.Asn2600fs (NM_001127511.3); c.7907del, p.Asn2636fs (NM_001354896.2, NM_001407447.1, NM_001407448.1 and 1 more transcripts); c.7883del, p.Asn2628fs (NM_001354897.2); c.7778del, p.Asn2593fs (NM_001354898.2); c.7769del, p.Asn2590fs (NM_001354899.2); c.7730del, p.Asn2577fs (NM_001354900.2); c.7676del, p.Asn2559fs (NM_001354901.2, NM_001407453.1); and 11 more; short protein forms N2234fs, N2335fs, N2458fs, N2489fs, N2492fs, N2517fs, N2527fs, N2535fs.
Identifiers: ClinVar variation 2583202 (VCV002583202.2), dbSNP rs2533824071, ClinGen allele CA2582341634.

ClinVar aggregate classification (germline): Pathogenic (1 of 4 stars; one submission).

Conditions:
Familial adenomatous polyposis 1 (FAP1). Also called: POLYPOSIS, ADENOMATOUS INTESTINAL; FAMILIAL ADENOMATOUS POLYPOSIS 1, ATTENUATED. Identifiers: MedGen C2713442, MONDO:0021056, OMIM 175100. Disease mechanism: loss of function.

Submission:

Myriad Genetics, Inc.
Classification: Pathogenic for Familial adenomatous polyposis 1. Last evaluated: 2023-05-23. Review status: criteria provided, single submitter. Criteria: Myriad Autosomal Dominant, Autosomal Recessive and X-Linked Classification Criteria (2023). Collection method: clinical testing. Allele origin: unknown.
Comment: This variant is considered pathogenic. This variant creates a frameshift predicted to result in premature protein truncation.